The following is an entry in ClinVar:

ClinVar aggregate classification (germline): Uncertain significance. Review status: criteria provided, multiple submitters, no conflicts (2 of 4 stars). 2 submissions from 2 submitters: Uncertain significance (2). Last evaluated 2025-08-14.

Conditions:
Inborn genetic diseases. Identifiers: MedGen C0950123, MeSH D030342.

Allele frequency attached by ClinVar (database versions not stated): gnomAD exomes 0.00001; ExAC 0.00003; gnomAD 0.00012; ESP Exome Variant Server 0.00016; TOPMed 0.00018; 1000 Genomes Project 0.00020; 1000 Genomes Project 30x 0.00031.
gnomAD v4.1: 33 of 1,614,018 alleles (0.002%); highest among the groups gnomAD compares: African/African-American, 0.041%; no homozygotes.

Submissions (2):

Ambry Genetics
Classification: Uncertain significance for Inborn genetic diseases. Last evaluated: 2025-08-14. Review status: criteria provided, single submitter. Criteria: Ambry Variant Classification Scheme 2023. Collection method: clinical testing. Allele origin: germline.

Labcorp Genetics (formerly Invitae), Labcorp
Classification: Uncertain significance. Last evaluated: 2025-04-17. Review status: criteria provided, single submitter. Criteria: Invitae Variant Classification Sherloc (09022015). Collection method: clinical testing. Allele origin: germline.
Comment: This sequence change replaces threonine, which is neutral and polar, with serine, which is neutral and polar, at codon 376 of the ACAN protein (p.Thr376Ser). This variant is present in population databases (rs377176198, gnomAD 0.04%). This variant has not been reported in the literature in individuals affected with ACAN-related conditions. ClinVar contains an entry for this variant (Variation ID: 2170724). Invitae Evidence Modeling of protein sequence and biophysical properties (such as structural, functional, and spatial information, amino acid conservation, physicochemical variation, residue mobility, and thermodynamic stability) indicates that this missense variant is not expected to disrupt ACAN protein function with a negative predictive value of 80%. In summary, the available evidence is currently insufficient to determine the role of this variant in disease. Therefore, it has been classified as a Variant of Uncertain Significance.

NM_001369268.1(ACAN):c.1127C>G (p.Thr376Ser)

Gene: ACAN (aggrecan; plus strand). Cytogenetic location: 15q26.1.
Variant type: single nucleotide variant.
Coding change: c.1127C>G on transcript NM_001369268.1 (MANE Select); coding-DNA position 1127, C replaced by G.
Protein change: p.Thr376Ser; replaces threonine 376 with serine.
Molecular consequence: missense variant.
Genome position (GRCh38, 1-based): chr15:88,845,580, C>G. VCF-style: chr15-88845580-C-G. GRCh37 (hg19) VCF-style: chr15-89388811-C-G.
Other names: c.1127C>G, p.Thr376Ser (NM_001135.4, NM_001411096.1, NM_001411097.1 and 1 more transcripts); c.1127C>G (NM_013227.3); short protein forms T376S.
Identifiers: ClinVar variation 2170724 (VCV002170724.5), dbSNP rs377176198, ClinGen allele CA7719474.
Genomic context (GRCh38, chr15:88,845,580, plus strand): 5'-ACATCCCAGAAAACTTCTTTGGAGTGGGGGGTGAGGAGGACATCACCGTCCAGACAGTGA[C>G]CTGGCCTGACATGGAGCTGCCACTGCCTCGAAACATCACTGAGGGTGAAGCCCGAGGCAG-3'
Protein context (NP_001356197.1, residues 366-386): GEEDITVQTV[Thr376Ser]WPDMELPLPR